The following is an entry in ClinVar:

NM_003737.4(DCHS1):c.9318_9319del (p.Tyr3107fs)

Gene: DCHS1 (dachsous cadherin-related 1; minus strand). Cytogenetic location: 11p15.4.
Variant type: Microsatellite.
Coding change: c.9318_9319del on transcript NM_003737.4 (MANE Select); coding-DNA positions 9318 to 9319, 2 bases deleted (CT; older notation c.9318_9319delCT).
Protein change: p.Tyr3107fs; shifts the reading frame from tyrosine 3107.
Molecular consequence: frameshift variant.
Genome position (GRCh38, 1-based): chr11:6,622,357-6,622,358, AG deleted on the plus strand (CT on the coding strand, the reverse complement: DCHS1 is on the minus strand); deleting any 2 consecutive bases within chr11:6,622,357-6,622,362 gives the same sequence; the c. name uses the placement nearest the transcript's 3' end. VCF-style (leftmost placement, unchanged base first): chr11-6622356-TAG-T. GRCh37 (hg19) VCF-style: chr11-6643587-TAG-T.
Other names: short protein forms Y3107fs.
Identifiers: ClinVar variation 4977828 (VCV004977828.1).

ClinVar aggregate classification (germline): Uncertain significance (1 of 4 stars; one submission).

Conditions:
DCHS1-related disorder. Also called: DCHS1-related condition.

Submission:

PreventionGenetics, part of Exact Sciences
Classification: Uncertain significance for DCHS1-related condition. Last evaluated: 2025-05-30. Review status: criteria provided, single submitter. Criteria: ACMG Guidelines, 2015. Collection method: clinical testing. Allele origin: germline.
Comment: The DCHS1 c.9318_9319delCT variant is predicted to result in a frameshift and premature protein termination (p.Tyr3107Glnfs*55). To our knowledge, this variant has not been reported in the literature. This variant is located in the last exon of the DCHS1 gene and is predicted to result in the loss of the last 137 amino acids of this protein. To our knowledge, there are no protein truncating or loss-of-function variants classified as pathogenic downstream of this variant (ClinVar database, HGMD database). Although we suspect that this variant may be pathogenic, at this time, the clinical significance of this variant is uncertain due to the absence of conclusive functional and genetic evidence.